The following is an entry in ClinVar:

NM_000492.4(CFTR):c.2620-674_3367+232del

Genes: CFTR (CF transmembrane conductance regulator; plus strand), CFTR-AS2 (CFTR antisense RNA 2; minus strand), LOC111674472 (DNase I hypersensitive sites in introns 16 and 17a of CFTR; plus strand). Cytogenetic location: 7q31.2.
Variant type: Deletion.
Coding change: c.2620-674_3367+232del on transcript NM_000492.4 (MANE Select); 674 bases into the intron before coding-DNA position 2620 through 232 bases into the intron after coding-DNA position 3367, 9,889 bases deleted.
Molecular consequence: splice acceptor variant, splice donor variant.
Genome position (GRCh38, 1-based): chr7:117,602,152-117,612,040, 9,889 bases deleted. GRCh37 (hg19): chr7:117,242,206-117,252,094.
Identifiers: ClinVar variation 1275739 (VCV001275739.1), ClinGen allele CA2499218685.

ClinVar aggregate classification (germline): Pathogenic (1 of 4 stars; one submission).

Conditions:
Cystic fibrosis (CF). Also called: MUCOVISCIDOSIS. Identifiers: Orphanet 586, MedGen C0010674, MONDO:0009061, OMIM 219700. Disease mechanism: loss of function.

Submission:

Johns Hopkins Genomics, Johns Hopkins University
Classification: Pathogenic for Cystic fibrosis. Last evaluated: 2021-09-08. Review status: criteria provided, single submitter. Criteria: ACMG Guidelines, 2015. Collection method: clinical testing. Allele origin: germline.
Comment: Evidence of a CFTR gene deletion involving all of exons 16 through 20 (Legacy exons 14b-17b) was identified. A similar CFTR gene deletion has been previously reported in individuals with cystic fibrosis. We consider this deletion to be pathogenic.